The following is an entry in ClinVar:

NM_004958.4(MTOR):c.3209A>G (p.Tyr1070Cys)

Gene: MTOR (mechanistic target of rapamycin kinase; minus strand). Cytogenetic location: 1p36.22.
Variant type: single nucleotide variant.
Coding change: c.3209A>G on transcript NM_004958.4 (MANE Select); coding-DNA position 3209, A replaced by G.
Protein change: p.Tyr1070Cys; replaces tyrosine 1070 with cysteine.
Molecular consequence: missense variant.
Genome position (GRCh38, 1-based): chr1:11,213,475, T>C on the plus strand (A>G on the coding strand, the complement: MTOR is on the minus strand). VCF-style: chr1-11213475-T-C. GRCh37 (hg19) VCF-style: chr1-11273532-T-C.
Other names: c.3209A>G, p.Tyr1070Cys (NM_001386500.1); c.1961A>G, p.Tyr654Cys (NM_001386501.1); short protein forms Y1070C, Y654C.
Identifiers: ClinVar variation 1492480 (VCV001492480.7), dbSNP rs1306339123, ClinGen allele CA338374903.

ClinVar aggregate classification (germline): Uncertain significance. Review status: criteria provided, multiple submitters, no conflicts (2 of 4 stars). 2 submissions from 2 submitters: Uncertain significance (2). Last evaluated 2021-08-30.

gnomAD v4.1: 6 of 1,613,974 alleles (0.00037%); highest among the groups gnomAD compares: Admixed American, 0.0017%; no homozygotes.

Submissions (2):

Labcorp Genetics (formerly Invitae), Labcorp
Classification: Uncertain significance. Last evaluated: 2021-08-30. Review status: criteria provided, single submitter. Criteria: Invitae Variant Classification Sherloc (09022015). Collection method: clinical testing. Allele origin: germline.
Comment: Advanced modeling of protein sequence and biophysical properties (such as structural, functional, and spatial information, amino acid conservation, physicochemical variation, residue mobility, and thermodynamic stability) performed at Invitae indicates that this missense variant is expected to disrupt MTOR protein function. In summary, the available evidence is currently insufficient to determine the role of this variant in disease. Therefore, it has been classified as a Variant of Uncertain Significance. This variant has not been reported in the literature in individuals affected with MTOR-related conditions. This variant is not present in population databases (ExAC no frequency). This sequence change replaces tyrosine with cysteine at codon 1070 of the MTOR protein (p.Tyr1070Cys). The tyrosine residue is highly conserved and there is a large physicochemical difference between tyrosine and cysteine.

Blueprint Genetics
Classification: Uncertain significance. Last evaluated: 2020-12-23. Review status: criteria provided, single submitter. Criteria: ACMG Guidelines, 2015. Collection method: clinical testing. Allele origin: germline.